The following is an entry in ClinVar:

NM_198390.3(CMIP):c.1389-4C>G

Gene: CMIP (c-Maf inducing protein; plus strand). Cytogenetic location: 16q23.3.
Variant type: single nucleotide variant.
Coding change: c.1389-4C>G on transcript NM_198390.3 (MANE Select); 4 bases into the intron before coding-DNA position 1389, C replaced by G.
Molecular consequence: intron variant.
Genome position (GRCh38, 1-based): chr16:81,691,771, C>G. VCF-style: chr16-81691771-C-G. GRCh37 (hg19) VCF-style: chr16-81725376-C-G.
Other names: c.1107-4C>G (NM_030629.3).
Identifiers: ClinVar variation 708698 (VCV000708698.6), dbSNP rs201626483, ClinGen allele CA8192451.
Genomic context (GRCh38, chr16:81,691,771, plus strand): 5'-AAAAACAGTGCCATAAACCTTCCTTGTCCCAACCAAAGCTGACTGTCACCCTCTCTCATT[C>G]TAGGTCAGACTATGATGACTGGAGACCGTCTCTGGCCAGTTTGCTTCAACCCATTCCATT-3'

ClinVar aggregate classification (germline): Benign. Review status: criteria provided, single submitter (1 of 4 stars). 2 submissions from 2 submitters: Benign (1). 1 of the submissions does not count toward it. Last evaluated 2019-12-31.

Conditions:
CMIP-related disorder. Also called: CMIP-related condition.

Allele frequency attached by ClinVar (database versions not stated): 1000 Genomes Project 30x 0.00016; 1000 Genomes Project 0.00020; TOPMed 0.00142; gnomAD 0.00157 and 0.00165; gnomAD exomes 0.00187 and 0.00216; ESP Exome Variant Server 0.00194; ExAC 0.00198.
gnomAD v4.1: 3,003 of 1,613,326 alleles (0.19%); highest among the groups gnomAD compares: Middle Eastern, 0.56%; 13 homozygotes.

Submissions (2):

Labcorp Genetics (formerly Invitae), Labcorp
Classification: Benign. Last evaluated: 2019-12-31. Review status: criteria provided, single submitter. Criteria: Invitae Variant Classification Sherloc (09022015). Collection method: clinical testing. Allele origin: germline.

PreventionGenetics, part of Exact Sciences
Classification: Benign for CMIP-related condition. Last evaluated: 2019-10-30. Review status: no assertion criteria provided. Collection method: clinical testing. Allele origin: germline. Not counted in ClinVar's aggregate classification.
Comment: This variant is classified as benign based on ACMG/AMP sequence variant interpretation guidelines (Richards et al. 2015 PMID: 25741868, with internal and published modifications).